The following is an entry in ClinVar:

NM_005908.4(MANBA):c.1705-13C>A

Gene: MANBA (mannosidase beta; minus strand). Cytogenetic location: 4q24.
Variant type: single nucleotide variant.
Coding change: c.1705-13C>A on transcript NM_005908.4 (MANE Select); 13 bases into the intron before coding-DNA position 1705, C replaced by A.
Molecular consequence: intron variant.
Genome position (GRCh38, 1-based): chr4:102,650,714, G>T on the plus strand (C>A on the coding strand, the complement: MANBA is on the minus strand). VCF-style: chr4-102650714-G-T. GRCh37 (hg19) VCF-style: chr4-103571871-G-T.
Identifiers: ClinVar variation 347088 (VCV000347088.22), dbSNP rs34754408, ClinGen allele CA3026817.

ClinVar aggregate classification (germline): Benign. Review status: criteria provided, multiple submitters, no conflicts (2 of 4 stars). 6 submissions from 6 submitters: Benign (5). 1 of the submissions does not count toward it. Last evaluated 2026-02-04.

Conditions:
Beta-D-mannosidosis (MANSB). Also called: LYSOSOMAL BETA-MANNOSIDASE DEFICIENCY; Beta-Mannosidosis; MANNOSIDOSIS, BETA A, LYSOSOMAL; BETA-MANNOSIDASE DEFICIENCY. Identifiers: Orphanet 118, MedGen C4048196, MONDO:0009562, OMIM 248510.

Allele frequency attached by ClinVar (database versions not stated): 1000 Genomes Project 0.03355; 1000 Genomes Project 30x 0.03389; TOPMed 0.04246; ESP Exome Variant Server 0.04682.
gnomAD v4.1: 96,188 of 1,605,918 alleles (6%); highest among the groups gnomAD compares: Middle Eastern, 10%; 3,264 homozygotes.

Submissions 1 to 29 of 45:

Labcorp Genetics (formerly Invitae), Labcorp
Classification: Benign for Beta-D-mannosidosis. Last evaluated: 2026-02-04. Review status: criteria provided, single submitter. Criteria: Invitae Variant Classification Sherloc (09022015). Collection method: clinical testing. Allele origin: germline.

Genome-Nilou Lab
Classification: Benign for Beta-D-mannosidosis. Last evaluated: 2021-09-05. Review status: criteria provided, single submitter. Criteria: ACMG Guidelines, 2015. Collection method: clinical testing. Allele origin: germline. Affected: no.

GeneDx
Classification: Benign. Last evaluated: 2018-08-28. Review status: criteria provided, single submitter. Criteria: GeneDx Variant Classification Process June 2021. Collection method: clinical testing. Allele origin: germline. Affected: yes.

Illumina Laboratory Services, Illumina
Classification: Benign for Beta-D-mannosidosis. Last evaluated: 2018-01-12. Review status: criteria provided, single submitter. Criteria: ICSL Variant Classification Criteria 13 December 2019. Collection method: clinical testing. Allele origin: germline.
Comment: This variant was observed in the ICSL laboratory as part of a predisposition screen in an ostensibly healthy population. It had not been previously curated by ICSL or reported in the Human Gene Mutation Database (HGMD: prior to June 1st, 2018), and was therefore a candidate for classification through an automated scoring system. Utilizing variant allele frequency, disease prevalence and penetrance estimates, and inheritance mode, an automated score was calculated to assess if this variant is too frequent to cause the disease. Based on the score and internal cut-off values, a variant classified as benign is not then subjected to further curation. The score for this variant resulted in a classification of benign for this disease.

Breakthrough Genomics
Classification: Benign. Review status: criteria provided, single submitter. Criteria: ACMG Guidelines, 2015. Collection method: not provided. Allele origin: germline. Inheritance: Autosomal recessive inheritance. Affected: yes.

Mayo Clinic Laboratories, Mayo Clinic
Classification: Benign. Last evaluated: 2017-04-25. Review status: no assertion criteria provided. Collection method: clinical testing. Allele origin: unknown. Not counted in ClinVar's aggregate classification.

Dr. Peter K. Rogan Lab, Western University
No classification provided (evidence only). Condition: Familial cancer of breast. Review status: no classification provided. Collection method: in vitro. Allele origin: not applicable. Functional consequence: skipped exon. Not counted in ClinVar's aggregate classification.

Dr. Peter K. Rogan Lab, Western University
No classification provided (evidence only). Condition: Uterine corpus endometrial carcinoma. Review status: no classification provided. Collection method: in vitro. Allele origin: not applicable. Functional consequence: retained intron. Not counted in ClinVar's aggregate classification.

Dr. Peter K. Rogan Lab, Western University
No classification provided (evidence only). Condition: Uterine corpus endometrial carcinoma. Review status: no classification provided. Collection method: in vitro. Allele origin: not applicable. Functional consequence: retained intron. Not counted in ClinVar's aggregate classification.

Dr. Peter K. Rogan Lab, Western University
No classification provided (evidence only). Condition: Uterine corpus endometrial carcinoma. Review status: no classification provided. Collection method: in vitro. Allele origin: not applicable. Functional consequence: retained intron. Not counted in ClinVar's aggregate classification.

Dr. Peter K. Rogan Lab, Western University
No classification provided (evidence only). Condition: Uterine corpus endometrial carcinoma. Review status: no classification provided. Collection method: in vitro. Allele origin: not applicable. Functional consequence: retained intron. Not counted in ClinVar's aggregate classification.

Dr. Peter K. Rogan Lab, Western University
No classification provided (evidence only). Condition: Thymoma. Review status: no classification provided. Collection method: in vitro. Allele origin: not applicable. Functional consequence: retained intron. Not counted in ClinVar's aggregate classification.

Dr. Peter K. Rogan Lab, Western University
No classification provided (evidence only). Condition: Thymoma. Review status: no classification provided. Collection method: in vitro. Allele origin: not applicable. Functional consequence: retained intron. Not counted in ClinVar's aggregate classification.

Dr. Peter K. Rogan Lab, Western University
No classification provided (evidence only). Condition: Chronic lymphocytic leukemia/small lymphocytic lymphoma. Review status: no classification provided. Collection method: in vitro. Allele origin: not applicable. Functional consequence: retained intron. Not counted in ClinVar's aggregate classification.

Dr. Peter K. Rogan Lab, Western University
No classification provided (evidence only). Condition: Chronic lymphocytic leukemia/small lymphocytic lymphoma. Review status: no classification provided. Collection method: in vitro. Allele origin: not applicable. Functional consequence: retained intron. Not counted in ClinVar's aggregate classification.

Dr. Peter K. Rogan Lab, Western University
No classification provided (evidence only). Condition: Chronic lymphocytic leukemia/small lymphocytic lymphoma. Review status: no classification provided. Collection method: in vitro. Allele origin: not applicable. Functional consequence: retained intron. Not counted in ClinVar's aggregate classification.

Dr. Peter K. Rogan Lab, Western University
No classification provided (evidence only). Condition: Chronic lymphocytic leukemia/small lymphocytic lymphoma. Review status: no classification provided. Collection method: in vitro. Allele origin: not applicable. Functional consequence: retained intron. Not counted in ClinVar's aggregate classification.

Dr. Peter K. Rogan Lab, Western University
No classification provided (evidence only). Condition: Chronic lymphocytic leukemia/small lymphocytic lymphoma. Review status: no classification provided. Collection method: in vitro. Allele origin: not applicable. Functional consequence: retained intron. Not counted in ClinVar's aggregate classification.

Dr. Peter K. Rogan Lab, Western University
No classification provided (evidence only). Condition: Chronic lymphocytic leukemia/small lymphocytic lymphoma. Review status: no classification provided. Collection method: in vitro. Allele origin: not applicable. Functional consequence: retained intron. Not counted in ClinVar's aggregate classification.

Dr. Peter K. Rogan Lab, Western University
No classification provided (evidence only). Condition: Chronic lymphocytic leukemia/small lymphocytic lymphoma. Review status: no classification provided. Collection method: in vitro. Allele origin: not applicable. Functional consequence: retained intron. Not counted in ClinVar's aggregate classification.

Dr. Peter K. Rogan Lab, Western University
No classification provided (evidence only). Condition: Chronic lymphocytic leukemia/small lymphocytic lymphoma. Review status: no classification provided. Collection method: in vitro. Allele origin: not applicable. Functional consequence: retained intron. Not counted in ClinVar's aggregate classification.

Dr. Peter K. Rogan Lab, Western University
No classification provided (evidence only). Condition: Chronic lymphocytic leukemia/small lymphocytic lymphoma. Review status: no classification provided. Collection method: in vitro. Allele origin: not applicable. Functional consequence: retained intron. Not counted in ClinVar's aggregate classification.

Dr. Peter K. Rogan Lab, Western University
No classification provided (evidence only). Condition: Chronic lymphocytic leukemia/small lymphocytic lymphoma. Review status: no classification provided. Collection method: in vitro. Allele origin: not applicable. Functional consequence: skipped exon, retained intron. Not counted in ClinVar's aggregate classification.

Dr. Peter K. Rogan Lab, Western University
No classification provided (evidence only). Condition: Chronic lymphocytic leukemia/small lymphocytic lymphoma. Review status: no classification provided. Collection method: in vitro. Allele origin: not applicable. Functional consequence: skipped exon, retained intron. Not counted in ClinVar's aggregate classification.

Dr. Peter K. Rogan Lab, Western University
No classification provided (evidence only). Condition: Nonpapillary renal cell carcinoma. Review status: no classification provided. Collection method: in vitro. Allele origin: not applicable. Functional consequence: retained intron. Not counted in ClinVar's aggregate classification.

Dr. Peter K. Rogan Lab, Western University
No classification provided (evidence only). Condition: Nonpapillary renal cell carcinoma. Review status: no classification provided. Collection method: in vitro. Allele origin: not applicable. Functional consequence: retained intron. Not counted in ClinVar's aggregate classification.

Dr. Peter K. Rogan Lab, Western University
No classification provided (evidence only). Condition: Nonpapillary renal cell carcinoma. Review status: no classification provided. Collection method: in vitro. Allele origin: not applicable. Functional consequence: retained intron. Not counted in ClinVar's aggregate classification.

Dr. Peter K. Rogan Lab, Western University
No classification provided (evidence only). Condition: Nonpapillary renal cell carcinoma. Review status: no classification provided. Collection method: in vitro. Allele origin: not applicable. Functional consequence: skipped exon. Not counted in ClinVar's aggregate classification.

Dr. Peter K. Rogan Lab, Western University
No classification provided (evidence only). Condition: Familial pancreatic carcinoma. Review status: no classification provided. Collection method: in vitro. Allele origin: not applicable. Functional consequence: retained intron. Not counted in ClinVar's aggregate classification.